The following is an entry in ClinVar:

ClinVar aggregate classification (germline): Uncertain significance (1 of 4 stars; one submission).

Conditions:
Deficiency of butyryl-CoA dehydrogenase (ACADSD). Also called: ACYL-CoA DEHYDROGENASE, SHORT-CHAIN, DEFICIENCY OF; SCAD Deficiency; SCADH DEFICIENCY; Short-Chain Acyl-CoA Dehydrogenase Deficiency; SCAD DEFICIENCY, MILD; ACADS DEFICIENCY. Identifiers: Orphanet 26792, MedGen C0342783, MONDO:0008722, OMIM 201470. Disease mechanism: May be benign.

Submission:

Labcorp Genetics (formerly Invitae), Labcorp
Classification: Uncertain significance for Deficiency of butyryl-CoA dehydrogenase. Last evaluated: 2021-10-21. Review status: criteria provided, single submitter. Criteria: Invitae Variant Classification Sherloc (09022015). Collection method: clinical testing. Allele origin: germline.
Comment: This sequence change replaces histidine with asparagine at codon 381 of the ACADS protein (p.His381Asn). The histidine residue is moderately conserved and there is a small physicochemical difference between histidine and asparagine. This variant is not present in population databases (ExAC no frequency). This variant has not been reported in the literature in individuals affected with ACADS-related conditions. Advanced modeling of protein sequence and biophysical properties (such as structural, functional, and spatial information, amino acid conservation, physicochemical variation, residue mobility, and thermodynamic stability) performed at Invitae indicates that this missense variant is not expected to disrupt ACADS protein function. In summary, the available evidence is currently insufficient to determine the role of this variant in disease. Therefore, it has been classified as a Variant of Uncertain Significance.

NM_000017.4(ACADS):c.1141C>A (p.His381Asn)

Gene: ACADS (acyl-CoA dehydrogenase short chain; plus strand). Cytogenetic location: 12q24.31.
Variant type: single nucleotide variant.
Coding change: c.1141C>A on transcript NM_000017.4 (MANE Select); coding-DNA position 1141, C replaced by A.
Protein change: p.His381Asn; replaces histidine 381 with asparagine.
Molecular consequence: missense variant.
Genome position (GRCh38, 1-based): chr12:120,739,350, C>A. VCF-style: chr12-120739350-C-A. GRCh37 (hg19) VCF-style: chr12-121177153-C-A.
Other names: c.1129C>A, p.His377Asn (NM_001302554.2); short protein forms H377N, H381N.
Identifiers: ClinVar variation 1388345 (VCV001388345.6), dbSNP rs1219162519, ClinGen allele CA386601864.